The following is an entry in ClinVar:

NM_005172.2(ATOH1):c.958T>C (p.Leu320=)

Gene: ATOH1 (atonal bHLH transcription factor 1; plus strand). Cytogenetic location: 4q22.2.
Variant type: single nucleotide variant.
Coding change: c.958T>C on transcript NM_005172.2 (MANE Select); coding-DNA position 958, T replaced by C.
Protein change: p.Leu320=; no amino-acid change (leucine 320 retained).
Molecular consequence: synonymous variant.
Genome position (GRCh38, 1-based): chr4:93,829,884, T>C. VCF-style: chr4-93829884-T-C. GRCh37 (hg19) VCF-style: chr4-94751035-T-C.
Identifiers: ClinVar variation 4982745 (VCV004982745.1).
Genomic context (GRCh38, chr4:93,829,884, plus strand): 5'-AGCGCCCTGACAGCGATGATGGCGCAAAAGAATTTGTCTCCTTCTCTCCCCGGGAGCATC[T>C]TGCAGCCAGTGCAGGAGGAAAACAGCAAAACTTCGCCTCGGTCCCACAGAAGCGACGGGG-3'
Protein context (NP_005163.1, residues 310-330): NLSPSLPGSI[Leu320=]QPVQEENSKT

ClinVar aggregate classification (germline): Likely benign (1 of 4 stars; one submission).

Conditions:
ATOH1-related disorder. Also called: ATOH1-related condition.

gnomAD v4.1: 17 of 1,614,034 alleles (0.0011%); highest among the groups gnomAD compares: East Asian, 0.011%; no homozygotes.

Submission:

PreventionGenetics, part of Exact Sciences
Classification: Likely benign for ATOH1-related condition. Last evaluated: 2026-09-15. Review status: criteria provided, single submitter. Criteria: ACMG Guidelines, 2015. Collection method: clinical testing. Allele origin: germline.
Comment: This variant is classified as likely benign based on ACMG/AMP sequence variant interpretation guidelines (Richards et al. 2015 PMID: 25741868, with internal and published modifications).